The following is an entry in ClinVar:

ClinVar aggregate classification (germline): Uncertain significance (1 of 4 stars; one submission).

Conditions:
CUX1-related disorder. Also called: CUX1-related condition.

gnomAD v4.1: 12 of 1,611,788 alleles (0.00074%); highest among the groups gnomAD compares: African/African-American, 0.004%; no homozygotes.

Submission:

PreventionGenetics, part of Exact Sciences
Classification: Uncertain significance for CUX1-related condition. Last evaluated: 2025-01-24. Review status: criteria provided, single submitter. Criteria: ACMG Guidelines, 2015. Collection method: clinical testing. Allele origin: germline.
Comment: The CUX1 c.1127_1128delinsTG variant is predicted to result in an in-frame deletion and insertion. To our knowledge, this variant has not been reported in the literature or in a large population database (gnomAD), indicating this variant is rare. At this time, the clinical significance of this variant is uncertain due to the absence of conclusive functional and genetic evidence.

NM_001913.5(CUX1):c.1265C>T (p.Ala422Val)

Gene: CUX1 (cut like homeobox 1; plus strand). Cytogenetic location: 7q22.1.
Variant type: single nucleotide variant.
Coding change: c.1265C>T on transcript NM_001913.5 (MANE Plus Clinical); coding-DNA position 1265, C replaced by T.
Protein change: p.Ala422Val; replaces alanine 422 with valine.
Molecular consequence: missense variant.
Genome position (GRCh38, 1-based): chr7:102,273,375, C>T. VCF-style: chr7-102273375-C-T. GRCh37 (hg19) VCF-style: chr7-101916646-C-T.
Other names: c.1217C>T, p.Ala406Val (NM_001202544.3); c.1127C>T, p.Ala376Val (NM_001202545.3); c.1148C>T, p.Ala383Val (NM_001202546.3); c.1259C>T, p.Ala420Val (NM_181500.4); short protein forms A383V, A406V, A422V, A376V, A420V.
Identifiers: ClinVar variation 4999828 (VCV004999828.1).
Genomic context (GRCh38, chr7:102,273,375, plus strand): 5'-CAAGGGTCCCACCAGGCTCCCTCTGACGGCCATGTCTTCCTTTGGCCACAGGACGCTGTG[C>T]GGAGCTGCAAGTCCGTATCACTGAGGCTGTGGCCACAGCCACTGAGCAGAGAGAGCTGAT-3'
Protein context (NP_001904.2, residues 412-432): ISNSDLSGRC[Ala422Val]ELQVRITEAV